The following is an entry in ClinVar:

ClinVar aggregate classification (germline): Uncertain significance (1 of 4 stars; one submission).

Submission:

GeneDx
Classification: Uncertain significance. Last evaluated: 2023-05-16. Review status: criteria provided, single submitter. Criteria: GeneDx Variant Classification Process June 2021. Collection method: clinical testing. Allele origin: germline. Affected: yes.
Comment: Not observed at significant frequency in large population cohorts (gnomAD); In silico analysis supports that this missense variant does not alter protein structure/function; Has not been previously published as pathogenic or benign to our knowledge

NM_005334.3(HCFC1):c.3812C>T (p.Thr1271Ile)

Gene: HCFC1 (host cell factor C1; minus strand). Cytogenetic location: Xq28.
Variant type: single nucleotide variant.
Coding change: c.3812C>T on transcript NM_005334.3 (MANE Select); coding-DNA position 3812, C replaced by T.
Protein change: p.Thr1271Ile; replaces threonine 1271 with isoleucine.
Molecular consequence: missense variant.
Genome position (GRCh38, 1-based): chrX:153,954,587, G>A on the plus strand (C>T on the coding strand, the complement: HCFC1 is on the minus strand). VCF-style: chrX-153954587-G-A. GRCh37 (hg19) VCF-style: chrX-153220038-G-A.
Other names: c.3812C>T, p.Thr1271Ile (NM_001410705.1); short protein forms T1271I.
Identifiers: ClinVar variation 2662591 (VCV002662591.1), dbSNP rs2065352575, ClinGen allele CA415119253.
Genomic context (GRCh38, chrX:153,954,587, plus strand): 5'-TTGGAGCAGACTTGGGTCACGGTGGCCGAGGGGCACAGCAGTGCCTCCAGGGCTGTCACA[G>A]TCACTGTGGTGCTGGGCGAGCCACCCTGGAGGCTCTCGCACACAGGTGCCATGCGGGGCT-3'
Protein context (NP_005325.2, residues 1261-1281): LQGGSPSTTV[Thr1271Ile]VTALEALLCP